The following is an entry in ClinVar:

NM_003482.4(KMT2D):c.2152C>T (p.Leu718=)

Gene: KMT2D (lysine methyltransferase 2D; minus strand). Cytogenetic location: 12q13.12.
Variant type: single nucleotide variant.
Coding change: c.2152C>T on transcript NM_003482.4 (MANE Select); coding-DNA position 2152, C replaced by T.
Protein change: p.Leu718=; no amino-acid change (leucine 718 retained).
Molecular consequence: synonymous variant.
Genome position (GRCh38, 1-based): chr12:49,051,531, G>A on the plus strand (C>T on the coding strand, the complement: KMT2D is on the minus strand). VCF-style: chr12-49051531-G-A. GRCh37 (hg19) VCF-style: chr12-49445314-G-A.
Identifiers: ClinVar variation 2998545 (VCV002998545.4), dbSNP rs2120671440, ClinGen allele CA479714517.

ClinVar aggregate classification (germline): Likely benign. Review status: criteria provided, multiple submitters, no conflicts (2 of 4 stars). 2 submissions from 2 submitters: Likely benign (2). Last evaluated 2024-06-07.

Conditions:
Kabuki syndrome. Also called: NIIKAWA-KUROKI SYNDROME; Kabuki make-up syndrome. Identifiers: Orphanet 2322, MedGen C0796004, MONDO:0016512.

gnomAD v4.1: 1 of 1,613,440 alleles (0.000062%); highest among the groups gnomAD compares: Non-Finnish European, 0.000085%; no homozygotes.

Submissions (2):

Women's Health and Genetics/Laboratory Corporation of America, LabCorp
Classification: Likely benign. Last evaluated: 2024-06-07. Review status: criteria provided, single submitter. Criteria: LabCorp Variant Classification Summary - May 2015. Collection method: clinical testing. Allele origin: germline.
Comment: Variant summary: KMT2D c.2152C>T results in a synonymous change. Consensus agreement among computation tools predict no significant impact on normal splicing. However, these predictions have yet to be confirmed by functional studies. The variant was absent in 246860 control chromosomes. The available data on variant occurrences in the general population are insufficient to allow any conclusion about variant significance. To our knowledge, no occurrence of c.2152C>T in individuals affected with Kabuki Syndrome 1 and no experimental evidence demonstrating its impact on protein function have been reported. ClinVar contains an entry for this variant (Variation ID: 2998545). Based on the evidence outlined above, the variant was classified as likely benign.

Labcorp Genetics (formerly Invitae), Labcorp
Classification: Likely benign for Kabuki syndrome. Last evaluated: 2024-04-10. Review status: criteria provided, single submitter. Criteria: Invitae Variant Classification Sherloc (09022015). Collection method: clinical testing. Allele origin: germline.